The following is an entry in ClinVar:

NM_000089.4(COL1A2):c.3260G>T (p.Gly1087Val)

Gene: COL1A2 (collagen type I alpha 2 chain; plus strand). Cytogenetic location: 7q21.3.
Variant type: single nucleotide variant.
Coding change: c.3260G>T on transcript NM_000089.4 (MANE Select); coding-DNA position 3260, G replaced by T.
Protein change: p.Gly1087Val; replaces glycine 1087 with valine.
Molecular consequence: missense variant.
Genome position (GRCh38, 1-based): chr7:94,427,288, G>T. VCF-style: chr7-94427288-G-T. GRCh37 (hg19) VCF-style: chr7-94056600-G-T.
Other names: short protein forms G1087V.
Identifiers: ClinVar variation 456829 (VCV000456829.10), dbSNP rs72659335, ClinGen allele CA368225599.

ClinVar aggregate classification (germline): Likely pathogenic (1 of 4 stars; one submission).

Conditions:
Ehlers-Danlos syndrome, classic type, 1 (EDSCL1). Also called: EHLERS-DANLOS SYNDROME, GRAVIS TYPE; EHLERS-DANLOS SYNDROME, SEVERE CLASSIC TYPE; EDS I; Ehlers-Danlos Syndrome, Classic Type, COL5A1-Related; Ehlers-Danlos syndrome, type 1. Identifiers: MedGen C0268335, MONDO:0019567, OMIM 130000.
Osteogenesis imperfecta type I (OI1). Also called: OI, TYPE I; OSTEOGENESIS IMPERFECTA TARDA; OSTEOGENESIS IMPERFECTA WITH BLUE SCLERAE; Classic Non-deforming Osteogenesis Imperfecta with Blue Sclerae; Lobstein disease; Osteogenesis imperfecta type 1. Identifiers: Orphanet 216796, Orphanet 666, MedGen C0023931, MONDO:0008146, OMIM 166200. Disease mechanism: loss of function.

Submission:

Labcorp Genetics (formerly Invitae), Labcorp
Classification: Likely pathogenic for Osteogenesis imperfecta type I; Ehlers-Danlos syndrome, classic type, 1. Last evaluated: 2017-02-20. Review status: criteria provided, single submitter. Criteria: Invitae Variant Classification Sherloc (09022015). Collection method: clinical testing. Allele origin: germline.
Comment: In summary, this variant is a novel missense change affecting a residue that is known to be critical for normal protein structure, stability, and function. This type of missense change is also highly enriched in affected individuals and expected to be pathogenic. However, without additional functional and/or genetic data, this variant has been classified as Likely Pathogenic. Glycine residues within the Gly-Xaa-Yaa repeats of the triple helix domain are required for the structure and stability of fibrillar collagens (PMID: 7695699, 8218237, 19344236). In COL1A2, missense variants at these glycine residues are significantly enriched in individuals with disease (PMID: 9016532, 17078022) compared to the general population (ExAC). This variant is not present in population databases (ExAC no frequency) and has not been reported in the literature in individuals with a COL1A2-related disease. However, a different missense substitution at this codon (p.Gly1087Asp) has been reported in an individual affected with osteogenesis imperfecta type III (PMID: 16786509). This sequence change replaces glycine with valine at codon 1087 of the COL1A2 protein (p.Gly1087Val). The glycine residue is highly conserved and there is a moderate physicochemical difference between glycine and valine.

Literature cited by the submitters: PubMed 7695699; PubMed 8218237; PubMed 19344236; PubMed 9016532; PubMed 17078022; PubMed 16786509.